The following is an entry in ClinVar:

ClinVar aggregate classification (germline): Uncertain significance (1 of 4 stars; one submission).

Submission:

Labcorp Genetics (formerly Invitae), Labcorp
Classification: Uncertain significance. Last evaluated: 2022-04-04. Review status: criteria provided, single submitter. Criteria: Invitae Variant Classification Sherloc (09022015). Collection method: clinical testing. Allele origin: germline.
Comment: In summary, the available evidence is currently insufficient to determine the role of this variant in disease. Therefore, it has been classified as a Variant of Uncertain Significance. This variant disrupts the C-terminus of the SLC34A1 protein. Other variant(s) that disrupt this region (p.W538*) have been observed in individuals with SLC34A1-related conditions (PMID: 26047794). This suggests that this may be a clinically significant region of the protein. Experimental studies and prediction algorithms are not available or were not evaluated, and the functional significance of this variant is currently unknown. This variant has not been reported in the literature in individuals affected with SLC34A1-related conditions. This variant is not present in population databases (gnomAD no frequency). This sequence change creates a premature translational stop signal (p.Leu517Serfs*26) in the SLC34A1 gene. While this is not anticipated to result in nonsense mediated decay, it is expected to disrupt the last 123 amino acid(s) of the SLC34A1 protein.

Literature cited by the submitters: PubMed 26047794.

NM_003052.5(SLC34A1):c.1549del (p.Leu517fs)

Gene: SLC34A1 (solute carrier family 34 member 1; plus strand). Cytogenetic location: 5q35.3.
Variant type: Deletion.
Coding change: c.1549del on transcript NM_003052.5 (MANE Select); coding-DNA position 1549, one base deleted (C; older notation c.1549delC).
Protein change: p.Leu517fs; shifts the reading frame from leucine 517.
Molecular consequence: frameshift variant.
Genome position (GRCh38, 1-based): chr5:177,397,915, C deleted; the last of 2 consecutive C bases (chr5:177,397,914-177,397,915); deleting either gives the same sequence. VCF-style (leftmost placement, unchanged base first): chr5-177397913-TC-T. GRCh37 (hg19) VCF-style: chr5-176824914-TC-T.
Other names: short protein forms L517fs.
Identifiers: ClinVar variation 1910150 (VCV001910150.5), dbSNP rs2481028793, ClinGen allele CA2578496866.
Genomic context (GRCh38, chr5:177,397,913, plus strand): 5'-TGCCCATCCGCATGGCCAAGGCGCTGGGGAAACGCACGGCCAAGTACCGCTGGTTTGCCG[TC>T]CTCTATCTCCTTGTCTGCTTCCTGCTGCTGCCCTCACTGGTGTTTGGCATCTCCATGGCA-3'